The following is an entry in ClinVar:

ClinVar aggregate classification (germline): Uncertain significance. Review status: criteria provided, multiple submitters, no conflicts (2 of 4 stars). 8 submissions from 8 submitters: Uncertain significance (7). 1 of the submissions does not count toward it. Last evaluated 2026-02-22.

Conditions:
Maple syrup urine disease type 1A (MSUD1A). Also called: MSUD type 1A. Identifiers: MedGen C1855369, MONDO:0023691, OMIM 248600.
Maple syrup urine disease (MSUD). Identifiers: Orphanet 511, MedGen C0024776, MeSH D008375, MONDO:0009563. Disease mechanism: loss of function.
Inborn genetic diseases. Identifiers: MedGen C0950123, MeSH D030342.
BCKDHA-related disorder. Also called: BCKDHA-related condition.

Allele frequency attached by ClinVar (database versions not stated): ExAC 0.00027; gnomAD exomes 0.00027 and 0.00044; TOPMed 0.00035; gnomAD 0.00036; ESP Exome Variant Server 0.00062.
gnomAD v4.1: 686 of 1,613,742 alleles (0.043%); highest among the groups gnomAD compares: Non-Finnish European, 0.056%; 2 homozygotes.

Submissions (8):

PreventionGenetics, part of Exact Sciences
Classification: Uncertain significance for BCKDHA-related condition. Last evaluated: 2026-02-22. Review status: criteria provided, single submitter. Criteria: ACMG Guidelines, 2015. Collection method: clinical testing. Allele origin: germline.
Comment: The BCKDHA c.664G>A variant is predicted to result in the amino acid substitution p.Ala222Thr. To our knowledge, this variant has not been reported in the literature. This variant is reported in 0.055% of alleles in individuals of European (Non-Finnish) descent in gnomAD. Although we suspect that this variant may be benign, at this time, the clinical significance of this variant is uncertain due to the absence of conclusive functional and genetic evidence.

Blueprint Genetics
Classification: Uncertain significance. Last evaluated: 2024-10-25. Review status: criteria provided, single submitter. Criteria: ACMG Guidelines, 2015. Collection method: clinical testing. Allele origin: germline.

Ambry Genetics
Classification: Uncertain significance for Inborn genetic diseases. Last evaluated: 2022-08-18. Review status: criteria provided, single submitter. Criteria: Ambry Variant Classification Scheme 2023. Collection method: clinical testing. Allele origin: germline.

Labcorp Genetics (formerly Invitae), Labcorp
Classification: Uncertain significance for Maple syrup urine disease. Last evaluated: 2022-01-01. Review status: criteria provided, single submitter. Criteria: Invitae Variant Classification Sherloc (09022015). Collection method: clinical testing. Allele origin: germline.
Comment: This sequence change replaces alanine, which is neutral and non-polar, with threonine, which is neutral and polar, at codon 222 of the BCKDHA protein (p.Ala222Thr). This variant is present in population databases (rs141086188, gnomAD 0.06%). This variant has not been reported in the literature in individuals affected with BCKDHA-related conditions. ClinVar contains an entry for this variant (Variation ID: 894372). Advanced modeling of protein sequence and biophysical properties (such as structural, functional, and spatial information, amino acid conservation, physicochemical variation, residue mobility, and thermodynamic stability) performed at Invitae indicates that this missense variant is expected to disrupt BCKDHA protein function. In summary, the available evidence is currently insufficient to determine the role of this variant in disease. Therefore, it has been classified as a Variant of Uncertain Significance.

Genome-Nilou Lab
Classification: Uncertain significance for Maple syrup urine disease type 1A. Last evaluated: 2021-11-07. Review status: criteria provided, single submitter. Criteria: ACMG Guidelines, 2015. Collection method: clinical testing. Allele origin: germline. Affected: no.

Fulgent Genetics
Classification: Uncertain significance for Maple syrup urine disease type 1A. Last evaluated: 2021-09-10. Review status: criteria provided, single submitter. Criteria: ACMG Guidelines, 2015. Collection method: clinical testing. Allele origin: unknown.

Illumina Laboratory Services, Illumina
Classification: Uncertain significance for Maple syrup urine disease type 1A. Last evaluated: 2018-01-13. Review status: criteria provided, single submitter. Criteria: ICSL Variant Classification Criteria 13 December 2019. Collection method: clinical testing. Allele origin: germline.

Natera, Inc.
Classification: Uncertain significance for Maple syrup urine disease type 1A. Last evaluated: 2020-01-17. Review status: no assertion criteria provided. Collection method: clinical testing. Allele origin: germline. Not counted in ClinVar's aggregate classification.

NM_000709.4(BCKDHA):c.664G>A (p.Ala222Thr)

Gene: BCKDHA (branched chain keto acid dehydrogenase E1 subunit alpha; plus strand). Cytogenetic location: 19q13.2.
Variant type: single nucleotide variant.
Coding change: c.664G>A on transcript NM_000709.4 (MANE Select); coding-DNA position 664, G replaced by A.
Protein change: p.Ala222Thr; replaces alanine 222 with threonine.
Molecular consequence: missense variant.
Genome position (GRCh38, 1-based): chr19:41,422,181, G>A. VCF-style: chr19-41422181-G-A. GRCh37 (hg19) VCF-style: chr19-41928086-G-A.
Other names: c.664G>A, p.Ala222Thr (NM_001164783.2); short protein forms A222T.
Identifiers: ClinVar variation 894372 (VCV000894372.13), dbSNP rs141086188, ClinGen allele CA9461238.